The following is an entry in ClinVar:

NM_031844.3(HNRNPU):c.2264G>A (p.Arg755His)

Gene: HNRNPU (heterogeneous nuclear ribonucleoprotein U; minus strand). Cytogenetic location: 1q44.
Variant type: single nucleotide variant.
Coding change: c.2264G>A on transcript NM_031844.3 (MANE Select); coding-DNA position 2264, G replaced by A.
Protein change: p.Arg755His; replaces arginine 755 with histidine.
Molecular consequence: missense variant.
Genome position (GRCh38, 1-based): chr1:244,855,512, C>T on the plus strand (G>A on the coding strand, the complement: HNRNPU is on the minus strand). VCF-style: chr1-244855512-C-T. GRCh37 (hg19) VCF-style: chr1-245018814-C-T.
Other names: c.2207G>A, p.Arg736His (NM_004501.3); short protein forms R736H, R755H.
Identifiers: ClinVar variation 2796769 (VCV002796769.3), dbSNP rs1252224735, ClinGen allele CA345486988.

ClinVar aggregate classification (germline): Uncertain significance (1 of 4 stars; one submission).

Conditions:
Developmental and epileptic encephalopathy, 54. Also called: Epileptic encephalopathy, early infantile, 54; HNRNPU-Related Neurodevelopmental Disorder. Identifiers: MedGen C4479319, MONDO:0033363, OMIM 617391.

Allele frequency attached by ClinVar (database versions not stated): gnomAD exomes below 0.00001; TOPMed 0.00001.
gnomAD v4.1: 3 of 1,613,990 alleles (0.00019%); highest among the groups gnomAD compares: Non-Finnish European, 0.00025%; no homozygotes.

Submission:

Labcorp Genetics (formerly Invitae), Labcorp
Classification: Uncertain significance for Developmental and epileptic encephalopathy, 54. Last evaluated: 2023-04-17. Review status: criteria provided, single submitter. Criteria: Invitae Variant Classification Sherloc (09022015). Collection method: clinical testing. Allele origin: germline.
Comment: In summary, the available evidence is currently insufficient to determine the role of this variant in disease. Therefore, it has been classified as a Variant of Uncertain Significance. Advanced modeling of protein sequence and biophysical properties (such as structural, functional, and spatial information, amino acid conservation, physicochemical variation, residue mobility, and thermodynamic stability) performed at Invitae indicates that this missense variant is expected to disrupt HNRNPU protein function. This variant has not been reported in the literature in individuals affected with HNRNPU-related conditions. This variant is not present in population databases (gnomAD no frequency). This sequence change replaces arginine, which is basic and polar, with histidine, which is basic and polar, at codon 755 of the HNRNPU protein (p.Arg755His).